The following is an entry in ClinVar:

ClinVar aggregate classification (germline): Conflicting classifications of pathogenicity. Review status: criteria provided, conflicting classifications (1 of 4 stars). 3 submissions from 3 submitters: Uncertain significance (1); Benign (1); Likely benign (1). Last evaluated 2026-04-10.

Conditions:
SLC24A1-related disorder. Also called: SLC24A1-related condition.

Allele frequency attached by ClinVar (database versions not stated): gnomAD exomes 0.00005 and 0.00013; gnomAD 0.00009; TOPMed 0.00009; ExAC 0.00015; ESP Exome Variant Server 0.00016; 1000 Genomes Project 0.00020; 1000 Genomes Project 30x 0.00031.
gnomAD v4.1: 85 of 1,602,768 alleles (0.0053%); highest among the groups gnomAD compares: East Asian, 0.072%; 1 homozygote.

Submissions (3):

PreventionGenetics, part of Exact Sciences
Classification: Likely benign for SLC24A1-related condition. Last evaluated: 2026-04-10. Review status: criteria provided, single submitter. Criteria: ACMG Guidelines, 2015. Collection method: clinical testing. Allele origin: germline.
Comment: This variant is classified as likely benign based on ACMG/AMP sequence variant interpretation guidelines (Richards et al. 2015 PMID: 25741868, with internal and published modifications).

Labcorp Genetics (formerly Invitae), Labcorp
Classification: Uncertain significance. Last evaluated: 2024-11-05. Review status: criteria provided, single submitter. Criteria: Invitae Variant Classification Sherloc (09022015). Collection method: clinical testing. Allele origin: germline.
Comment: This sequence change replaces valine, which is neutral and non-polar, with methionine, which is neutral and non-polar, at codon 201 of the SLC24A1 protein (p.Val201Met). This variant is present in population databases (rs200714082, gnomAD 0.1%). This variant has not been reported in the literature in individuals affected with SLC24A1-related conditions. ClinVar contains an entry for this variant (Variation ID: 956173). An algorithm developed to predict the effect of missense changes on protein structure and function (PolyPhen-2) suggests that this variant is likely to be tolerated. In summary, the available evidence is currently insufficient to determine the role of this variant in disease. Therefore, it has been classified as a Variant of Uncertain Significance.

Blueprint Genetics
Classification: Benign. Last evaluated: 2021-07-13. Review status: criteria provided, single submitter. Criteria: ACMG Guidelines, 2015. Collection method: clinical testing. Allele origin: germline.

NM_004727.3(SLC24A1):c.601G>A (p.Val201Met)

Gene: SLC24A1 (solute carrier family 24 member 1; plus strand). Cytogenetic location: 15q22.31.
Variant type: single nucleotide variant.
Coding change: c.601G>A on transcript NM_004727.3 (MANE Select); coding-DNA position 601, G replaced by A.
Protein change: p.Val201Met; replaces valine 201 with methionine.
Molecular consequence: missense variant.
Genome position (GRCh38, 1-based): chr15:65,624,681, G>A. VCF-style: chr15-65624681-G-A. GRCh37 (hg19) VCF-style: chr15-65917019-G-A.
Other names: c.601G>A, p.Val201Met (NM_001301031.1, NM_001301032.1, NM_001301033.2); short protein forms V201M.
Identifiers: ClinVar variation 956173 (VCV000956173.9), dbSNP rs200714082, ClinGen allele CA7619771.